The following is an entry in ClinVar:

NM_004586.3(RPS6KA3):c.1925G>T (p.Gly642Val)

Gene: RPS6KA3 (ribosomal protein S6 kinase A3; minus strand). Cytogenetic location: Xp22.12.
Variant type: single nucleotide variant.
Coding change: c.1925G>T on transcript NM_004586.3 (MANE Select); coding-DNA position 1925, G replaced by T.
Protein change: p.Gly642Val; replaces glycine 642 with valine.
Molecular consequence: missense variant.
Genome position (GRCh38, 1-based): chrX:20,161,678, C>A on the plus strand (G>T on the coding strand, the complement: RPS6KA3 is on the minus strand). VCF-style: chrX-20161678-C-A. GRCh37 (hg19) VCF-style: chrX-20179796-C-A.
Other names: short protein forms G642V.
Identifiers: ClinVar variation 3359459 (VCV003359459.1).

ClinVar aggregate classification (germline): Uncertain significance (1 of 4 stars; one submission).

Submission:

GeneDx
Classification: Uncertain significance. Last evaluated: 2023-06-06. Review status: criteria provided, single submitter. Criteria: GeneDx Variant Classification Process June 2021. Collection method: clinical testing. Allele origin: germline. Affected: yes.
Comment: Not observed at significant frequency in large population cohorts (gnomAD); In silico analysis supports that this missense variant has a deleterious effect on protein structure/function; Has not been previously published as pathogenic or benign to our knowledge